The following is an entry in ClinVar:

NM_000543.5(SMPD1):c.1363C>T (p.Gln455Ter)

Gene: SMPD1 (sphingomyelin phosphodiesterase 1; plus strand). Cytogenetic location: 11p15.4.
Variant type: single nucleotide variant.
Coding change: c.1363C>T on transcript NM_000543.5 (MANE Select); coding-DNA position 1363, C replaced by T.
Protein change: p.Gln455Ter; replaces glutamine 455 with a stop codon.
Molecular consequence: nonsense. On other transcripts: non-coding transcript variant (2).
Genome position (GRCh38, 1-based): chr11:6,393,918, C>T. VCF-style: chr11-6393918-C-T. GRCh37 (hg19) VCF-style: chr11-6415148-C-T.
Other names: c.1360C>T, p.Gln454Ter (NM_001007593.3); c.1363C>T, p.Gln455Ter (NM_001318087.2); c.442C>T, p.Gln148Ter (NM_001318088.2); c.1231C>T, p.Gln411Ter (NM_001365135.2); short protein forms Q411*, Q454*, Q455*, Q148*.
Identifiers: ClinVar variation 1455924 (VCV001455924.7), dbSNP rs2134021058, ClinGen allele CA379374846.

ClinVar aggregate classification (germline): Pathogenic/Likely pathogenic. Review status: criteria provided, multiple submitters, no conflicts (2 of 4 stars). 2 submissions from 2 submitters: Pathogenic (1); Likely pathogenic (1). Last evaluated 2024-05-04.

Conditions:
Niemann-Pick disease, type A. Also called: SPHINGOMYELIN LIPIDOSIS; SPHINGOMYELINASE DEFICIENCY; Infantile Neurovisceral ASMD (Niemann-Pick Disease Type A; NPD-A). Identifiers: Orphanet 77292, MedGen C0268242, MONDO:0009756, OMIM 257200. Disease mechanism: loss of function.
Niemann-Pick disease, type B. Also called: Chronic Visceral ASMD (Niemann-Pick Disease Type B; NPD-B). Identifiers: Orphanet 77293, MedGen C0268243, MONDO:0011871, OMIM 607616. Disease mechanism: loss of function.

Allele frequency attached by ClinVar (database versions not stated): gnomAD exomes below 0.00001.
gnomAD v4.1: 2 of 1,614,188 alleles (0.00012%); highest among the groups gnomAD compares: Non-Finnish European, 0.000085%; no homozygotes.

Submissions (2):

Fulgent Genetics
Classification: Likely pathogenic for Niemann-Pick disease, type A; Niemann-Pick disease, type B. Last evaluated: 2024-05-04. Review status: criteria provided, single submitter. Criteria: ACMG Guidelines, 2015. Collection method: clinical testing. Allele origin: germline.

Labcorp Genetics (formerly Invitae), Labcorp
Classification: Pathogenic for Niemann-Pick disease, type B; Niemann-Pick disease, type A. Last evaluated: 2021-12-02. Review status: criteria provided, single submitter. Criteria: Invitae Variant Classification Sherloc (09022015). Collection method: clinical testing. Allele origin: germline.
Comment: This sequence change creates a premature translational stop signal (p.Gln455*) in the SMPD1 gene. It is expected to result in an absent or disrupted protein product. Loss-of-function variants in SMPD1 are known to be pathogenic (PMID: 12369017, 15221801). This variant is not present in population databases (gnomAD no frequency). This variant has not been reported in the literature in individuals affected with SMPD1-related conditions. For these reasons, this variant has been classified as Pathogenic.

Literature cited by the submitters: PubMed 12369017 (cited by Labcorp Genetics (formerly Invitae), Labcorp); PubMed 15221801 (cited by Labcorp Genetics (formerly Invitae), Labcorp).